The following is an entry in ClinVar:

ClinVar aggregate classification (germline): Pathogenic/Likely pathogenic. Review status: criteria provided, multiple submitters, no conflicts (2 of 4 stars). 9 submissions from 9 submitters: Pathogenic (5); Likely pathogenic (4). Last evaluated 2025-08-20.

Conditions:
PKP2-related disorder. Also called: PKP2-related condition.
Arrhythmogenic right ventricular cardiomyopathy (ARVD). Also called: Arrhythmogenic cardiomyopathy; Cardiomyopathy, ARVC; Arrhythmogenic right ventricular dysplasia; Arrhythmogenic Right Ventricular Cardiomyopathy (ARVC). Identifiers: Orphanet 247, MedGen C0349788, MeSH D019571, MONDO:0016587. Disease mechanism: loss of function. Inheritance: Various modes of inheritance.
Cardiomyopathy (CMYO). Also called: Cardiomyopathies. Identifiers: Orphanet 167848, MedGen C0878544, MONDO:0004994, HP:0001638. Inheritance: Various modes of inheritance.
Arrhythmogenic right ventricular dysplasia 9 (ARVD9). Also called: ARRHYTHMOGENIC RIGHT VENTRICULAR DYSPLASIA, FAMILIAL, 9; Arrhythmogenic Right Ventricular Dysplasia/Cardiomyopathy 9. Identifiers: MedGen C1836906, MONDO:0012180, OMIM 609040.

Allele frequency attached by ClinVar (database versions not stated): TOPMed below 0.00001; ExAC 0.00001; gnomAD 0.00001.
gnomAD v4.1: 15 of 1,612,918 alleles (0.00093%); highest among the groups gnomAD compares: East Asian, 0.0045%; no homozygotes.

Submissions (9):

Color Diagnostics, LLC DBA Color Health
Classification: Likely pathogenic for Cardiomyopathy. Last evaluated: 2025-08-20. Review status: criteria provided, single submitter. Criteria: ACMG Guidelines, 2015. Collection method: clinical testing. Allele origin: germline.
Comment: This missense variant replaces arginine with tryptophan at codon 388 of the PKP2 protein. Computational tools predict that this variant may have deleterious impact on protein structure and function. To our knowledge, functional studies have not been reported for this variant. This variant is a recurrent mutation in the South Afrikaner population (PMID 19880068Machipisa 2016, dissertation, University of Cape Town) and has been observed in seven unrelated individuals affected with arrhythmogenic cardiomyopathy (PMID: 19880068, 24967631, 28472724, 31319917, 32268277). This variant has been observed in compound heterozygosity with a pathogenic truncation variant in individuals from two different families affected with severe, early-onset arrhythmogenic right ventricular cardiomyopathy (PMID: 19880068, 20152563). Heterozygous individuals from these families (PMID: 19880068, 20152563) and another unrelated heterozygous adult were reported to be asymptomatic (PMID: 34135346), consistent with low penetrance expected of pathogenic PKP2 variants. This variant has been identified in 1/251320 chromosomes in the general population by the Genome Aggregation Database (gnomAD). Based on the available evidence, this variant is classified as Likely Pathogenic.

GeneDx
Classification: Likely pathogenic. Last evaluated: 2025-05-13. Review status: criteria provided, single submitter. Criteria: GeneDx Variant Classification Process June 2021. Collection method: clinical testing. Allele origin: germline. Affected: yes.
Comment: Not observed at significant frequency in large population cohorts (gnomAD); In silico analysis supports that this missense variant has a deleterious effect on protein structure/function; This variant is associated with the following publications: (PMID: 31737537, 31402444, 20152563, 24967631, 19880068, 31447099, 31589614, 34135346, 34120153, 32268277, 31319917, 28472724, 38747331)

Labcorp Genetics (formerly Invitae), Labcorp
Classification: Pathogenic for Arrhythmogenic right ventricular dysplasia 9. Last evaluated: 2024-12-23. Review status: criteria provided, single submitter. Criteria: Invitae Variant Classification Sherloc (09022015). Collection method: clinical testing. Allele origin: germline.
Comment: This sequence change replaces arginine, which is basic and polar, with tryptophan, which is neutral and slightly polar, at codon 388 of the PKP2 protein (p.Arg388Trp). This variant is present in population databases (rs766209297, gnomAD 0.003%). This missense change has been observed in individuals with arrhythmogenic right ventricular cardiomyopathy (PMID: 19880068, 20152563, 24967631). It has also been observed to segregate with disease in related individuals. ClinVar contains an entry for this variant (Variation ID: 201979). An algorithm developed to predict the effect of missense changes on protein structure and function (PolyPhen-2) suggests that this variant is likely to be disruptive. For these reasons, this variant has been classified as Pathogenic.

Victorian Clinical Genetics Services, Murdoch Childrens Research Institute
Classification: Pathogenic for Arrhythmogenic right ventricular dysplasia 9. Last evaluated: 2024-10-09. Review status: criteria provided, single submitter. Criteria: ACMG Guidelines, 2015. Collection method: clinical testing. Allele origin: germline. Inheritance: Autosomal dominant inheritance. Affected: yes.
Comment: Based on the classification scheme VCGS_Germline_v1.3.4, this variant is classified as Pathogenic. Following criteria are met: 0102 - Loss of function is a known mechanism of disease in this gene and is associated with arrhythmogenic right ventricular cardiomyopathy (ARVC) (MIM#609040). On the other hand, dominant-negative is the proposed mechanism for missense variants in this gene (PMID: 23183494, 24967631). (I) 0107 - This gene is associated with autosomal dominant disease. (I) 0112 - The condition associated with this gene has incomplete penetrance (PMID: 17010805, 23183494). (I) 0115 - Variants in this gene are known to have variable expressivity. (PMID: 17010805, 23183494). (I) 0200 - Variant is predicted to result in a missense amino acid change from arginine to tryptophan. (I) 0251 - This variant is heterozygous. (I) 0302 - Variant is present in gnomAD <0.001 for a dominant condition (v2+v3: 2 heterozygotes, 0 homozygotes). (SP) 0309 - Multiple alternative amino acid changes at the same position have been observed in gnomAD (highest allele count: v2: 3 heterozygotes, 0 homozygotes). (I) 0501 - Missense variant consistently predicted to be damaging by multiple in silico tools or highly conserved with a major amino acid change. (SP) 0600 - Variant is located in the annotated Armadillo/beta-catenin-like repeat (DECIPHER). (I) 0801 - This variant has strong previous evidence of pathogenicity in unrelated individuals. It has been reported in at least ten heterozygous and compound heterozygous individuals with ARVC. It was noted that compound heterozygous individuals presented with an earlier age of onset and severe disease (PMID: 19880068, 20152563, 24967631, 32268277; ClinVar). (SP) 1208 - Inheritance information for this variant is not currently available in this individual. (I) Legend: (SP) - Supporting pathogenic, (I) - Information, (SB) - Supporting benign

Blueprint Genetics
Classification: Pathogenic for PKP2-related disorders. Last evaluated: 2023-11-02. Review status: criteria provided, single submitter. Criteria: ACMG Guidelines, 2015. Collection method: clinical testing. Allele origin: germline. Affected: yes. Observed: 5 variant alleles.

All of Us Research Program, National Institutes of Health
Classification: Likely pathogenic for Arrhythmogenic right ventricular cardiomyopathy. Last evaluated: 2023-07-19. Review status: criteria provided, single submitter. Criteria: ACMG Guidelines, 2015. Collection method: clinical testing. Allele origin: germline. Inheritance: Autosomal dominant inheritance. Observed: 1 variant allele, 1 heterozygote.
Comment: This missense variant replaces arginine with tryptophan at codon 388 of the PKP2 protein. Computational tools predict that this variant may have deleterious impact on protein structure and function. To our knowledge, functional studies have not been reported for this variant. This variant is a recurrent mutation in the South Afrikaner population (PMID 19880068; Machipisa 2016, dissertation, University of Cape Town) and has been observed in seven unrelated individuals affected with arrhythmogenic cardiomyopathy (PMID: 19880068, 24967631, 28472724, 31319917, 32268277). This variant has been observed in compound heterozygosity with a pathogenic truncation variant in individuals from two different families affected with severe, early-onset arrhythmogenic right ventricular cardiomyopathy (PMID: 19880068, 20152563). Heterozygous individuals from these families (PMID: 19880068, 20152563) and another unrelated heterozygous adult were reported to be asymptomatic (PMID: 34135346), consistent with low penetrance expected of pathogenic PKP2 variants. This variant has been identified in 1/251320 chromosomes in the general population by the Genome Aggregation Database (gnomAD). Based on the available evidence, this variant is classified as Likely Pathogenic.

This study involves interpretation of variants in research participants for the purpose of population health screening. Participant phenotype was not available at the time of variant classification. Additional details can be found in publication PMID: 35346344, PMCID: PMC8962531

Laboratory for Molecular Medicine, Mass General Brigham Personalized Medicine
Classification: Pathogenic for Arrhythmogenic right ventricular cardiomyopathy. Last evaluated: 2020-04-14. Review status: criteria provided, single submitter. Criteria: ACMG Guidelines, 2015. Collection method: clinical testing. Allele origin: germline. Inheritance: Autosomal dominant inheritance.
Comment: proposed classification - variant undergoing re-assessment, contact laboratory

Institute of Human Genetics, University of Leipzig Medical Center
Classification: Pathogenic for Arrhythmogenic right ventricular dysplasia 9. Last evaluated: 2019-12-10. Review status: criteria provided, single submitter. Criteria: ACMG Guidelines, 2015. Collection method: clinical testing. Allele origin: unknown. Affected: yes.

Human Genome Sequencing Center Clinical Lab, Baylor College of Medicine
Classification: Likely pathogenic for Arrhythmogenic right ventricular dysplasia 9. Last evaluated: 2017-11-12. Review status: criteria provided, single submitter. Criteria: ACMG Guidelines, 2015. Collection method: clinical testing. Allele origin: germline.
Comment: The c.1162C>T (p.Arg388Trp) variant in the PKP2 gene has been observed in two unrelated individuals with Arrhythmogenic Right Ventricular Cardiomyopathy (ARVC) as well as in three unrelated families affected by ARVC with incomplete penetrance (PMID 19880068, 20152563). Both studies reported that this variant was not observed in a large number of ethnically matched controls. Additionally, the gnomAD database reports this variant in 1 out of 246,082 individuals indicating it is not a common variant in general population. The c.1162C>T (p.Arg388Trp) variant in the PKP2 gene is classified as likely pathogenic.

Literature cited by the submitters: PubMed 19880068 (cited by 5 submitters); PubMed 20152563 (cited by 5 submitters); PubMed 24967631 (cited by 5 submitters); PubMed 28472724 (cited by 3 submitters); PubMed 31319917 (cited by Color Diagnostics, LLC DBA Color Health and All of Us Research Program, National Institutes of Health); PubMed 32268277 (cited by 3 submitters); PubMed 34135346 (cited by Color Diagnostics, LLC DBA Color Health and All of Us Research Program, National Institutes of Health); PubMed 17010805 (cited by Victorian Clinical Genetics Services, Murdoch Childrens Research Institute); PubMed 23183494 (cited by Victorian Clinical Genetics Services, Murdoch Childrens Research Institute).

NM_001005242.3(PKP2):c.1162C>T (p.Arg388Trp)

Gene: PKP2 (plakophilin 2; minus strand). Cytogenetic location: 12p11.21.
Variant type: single nucleotide variant.
Coding change: c.1162C>T on transcript NM_001005242.3 (MANE Select); coding-DNA position 1162, C replaced by T.
Protein change: p.Arg388Trp; replaces arginine 388 with tryptophan.
Molecular consequence: missense variant.
Genome position (GRCh38, 1-based): chr12:32,868,935, G>A on the plus strand (C>T on the coding strand, the complement: PKP2 is on the minus strand). VCF-style: chr12-32868935-G-A. GRCh37 (hg19) VCF-style: chr12-33021869-G-A.
Other names: p.R388W:CGG>TGG; c.1162C>T, p.Arg388Trp (NM_004572.4); short protein forms R388W.
Identifiers: ClinVar variation 201979 (VCV000201979.22), dbSNP rs766209297, ClinGen allele CA010825.
Genomic context (GRCh38, chr12:32,868,935, plus strand): 5'-AATAGAAGTGAAAGTGTGTTGCGCTTTGCAATGGACTGAAGATGACACTCACCCTCTTCC[G>A]AGCTTCAGATTTCTGGAAGCACTCGTGCTGTATGAAAGTAGCTGCAGCAGAAATCCTGGA-3'
Protein context (NP_001005242.2, residues 378-398): QHECFQKSEA[Arg388Trp]KRVNQLRGIL